The following continues an entry in ClinVar:

NM_000070.3(CAPN3):c.1621C>T (p.Arg541Trp)

Gene: CAPN3. ClinVar aggregate classification (germline): Pathogenic. Pathogenic (1).

Submissions 8 to 17 of 17:

Broad Center for Mendelian Genomics, Broad Institute of MIT and Harvard
Classification: Likely pathogenic for Autosomal recessive limb-girdle muscular dystrophy type 2A. Last evaluated: 2024-04-11. Review status: criteria provided, single submitter. Criteria: ACMG Guidelines, 2015. Collection method: research. Allele origin: germline. Inheritance: Autosomal recessive inheritance. Affected: yes. Not counted in ClinVar's aggregate classification.
Comment: The p.Tyr170Cys variant has been reported in at least 9 individuals with limb-girdle muscular dystrophy (PMID: 14981715, 25214167, 30919934, 32576226, 18854869, 19556129), and has been identified in 0.004% (2/44898) of East Asian chromosomes by the Genome Aggregation Database (gnomAD; dbSNP rs142004418). Although this variant has been seen in the general population in a heterozygous state, its frequency is low enough to be consistent with a recessive carrier frequency. This variant has also been reported in ClinVar (Variation ID: 498267) and has been interpreted as likely pathogenic or pathogenic by multiple submitters. Of the ten affected individuals, four were compound heterozygotes that carried reported pathogenic variant in trans or with unknown phase, which increases the likelihood that the p.Ser226Leu variant is pathogenic (Variation ID: 280037, 282411, 166786, 92414; (PMID: 25214167, 32576226, 18854869, 19556129). Computational prediction tools and conservation analyses suggest that this variant may impact the protein, though this information is not predictive enough to determine pathogenicity. One additional pathogenic variant, resulting in a different amino acid change at the same position, p.Arg541Gln, has been reported in association with disease in the ClinVar, slightly supporting that a change at this position may not be tolerated (Variation ID: 92407). In summary, although additional studies are required to fully establish its clinical significance, this variant is likely pathogenic for autosomal recessive limb-girdle muscular dystrophy. ACMG/AMP Criteria applied: PM3_strong, PP3_moderate, PM2_supporting, PM5_supporting (Richards 2015).

Baylor Genetics
Classification: Pathogenic for Muscular dystrophy, limb-girdle, autosomal dominant 4. Last evaluated: 2023-11-26. Review status: criteria provided, single submitter. Criteria: ACMG Guidelines, 2015. Collection method: clinical testing. Allele origin: unknown. Not counted in ClinVar's aggregate classification.

CeGaT Center for Human Genetics Tuebingen
Classification: Pathogenic. Last evaluated: 2023-07-01. Review status: criteria provided, single submitter. Criteria: CeGaT Center For Human Genetics Tuebingen Variant Classification Criteria Version 2. Collection method: clinical testing. Allele origin: germline. Affected: yes. Observed: 3 variant alleles. Not counted in ClinVar's aggregate classification.
Comment: CAPN3: PM3:Very Strong, PM2, PM5, PP3

Women's Health and Genetics/Laboratory Corporation of America, LabCorp
Classification: Pathogenic for Autosomal recessive limb-girdle muscular dystrophy. Last evaluated: 2022-09-02. Review status: criteria provided, single submitter. Criteria: LabCorp Variant Classification Summary - May 2015. Collection method: clinical testing. Allele origin: germline. Not counted in ClinVar's aggregate classification.
Comment: Variant summary: CAPN3 c.1621C>T (p.Arg541Trp) results in a non-conservative amino acid change located in the Peptidase C2, calpain, domain III (IPR022683) of the encoded protein sequence. Five of five in-silico tools predict a damaging effect of the variant on protein function. The variant allele was found at a frequency of 3.6e-05 in 251424 control chromosomes (gnomAD). c.1621C>T has been reported in the literature in multiple individuals affected with Limb-Girdle Muscular Dystrophy, Autosomal Recessive (e.g. Milic_2005, Piluso_2005, Tian_2015). These data indicate that the variant is very likely to be associated with disease. Seven ClinVar submitters (evaluation after 2014) cite the variant as pathogenic/likely pathogenic and one ClinVar submitter (evaluation after 2014) cites it as uncertain significance. Based on the evidence outlined above, the variant was classified as pathogenic.

Institute of Medical Genetics and Applied Genomics, University Hospital Tübingen
Classification: Likely pathogenic. Last evaluated: 2020-10-23. Review status: criteria provided, single submitter. Criteria: ACMG Guidelines, 2015. Collection method: clinical testing. Allele origin: germline. Inheritance: Unknown mechanism. Affected: yes. Not counted in ClinVar's aggregate classification.

Fulgent Genetics
Classification: Pathogenic for Autosomal recessive limb-girdle muscular dystrophy type 2A; Muscular dystrophy, limb-girdle, autosomal dominant 4. Last evaluated: 2018-10-31. Review status: criteria provided, single submitter. Criteria: ACMG Guidelines, 2015. Collection method: clinical testing. Allele origin: unknown. Not counted in ClinVar's aggregate classification.

Eurofins Ntd Llc (ga)
Classification: Pathogenic. Last evaluated: 2018-08-31. Review status: criteria provided, single submitter. Criteria: EGL ClinVar v180209 classification definitions. Collection method: clinical testing. Allele origin: germline. Observed: 3 variant alleles, 3 heterozygotes. Not counted in ClinVar's aggregate classification.

Lifecell International Pvt. Ltd
Classification: Likely pathogenic for Muscular dystrophy, limb-girdle, autosomal dominant 4. Review status: criteria provided, single submitter. Criteria: ACMG Guidelines, 2015. Collection method: clinical testing. Allele origin: germline. Inheritance: Autosomal dominant inheritance. Affected: yes. Observed: 1 heterozygote. Not counted in ClinVar's aggregate classification.
Comment: A Heterozygous Missense variant c.1621C>T in Exon 13 of the CAPN3 gene that results in the amino acid substitution p.Arg541Trp was identified. The observed variant has a minor allele frequency of 0.00004% in gnomAD exomes and genomes, respectively. The severity of the impact of this variant on the protein is medium, based on the effect of the protein and REVEL score. Rare Exome Variant Ensemble Learner (REVEL) is an ensembl method for predicting the pathogenicity of missense variants based on a combination of scores from 13 individual tools: MutPred, FATHMM v2.3, VEST 3.0, PolyPhen-2, SIFT, PROVEAN, MutationAssessor, MutationTaster, LRT, GERP++, SiPhy, phyloP, and phastCons. The REVEL score for an individual missense variant can range from 0 to 1, with higher scores reflecting a greater likelihood that the variant is disease-causing. The variant has been reported to ClinVar as Conflicting interpretations of pathogenicityPathogenic(5); Likely pathogenic(1); Uncertain significance(1) with a status of (1 star) criteria provided, conflicting interpretations (Variation ID 498267 as of 2022-11-05). This sequence change replaces arginine, which is basic and polar, with tryptophan, which is neutral and slightly polar, at codon 541 of the CAPN3 protein (p.Arg541Trp) (Milic A et al., 2005). Based on the above evidence this variant has been classified as Likely Pathogenic according to the ACMG guidelines.

Gene Friend Way, National Innovation Center
Classification: Likely pathogenic for Type 2 diabetes mellitus. Last evaluated: 2025-01-01. Review status: no assertion criteria provided. Collection method: clinical testing. Allele origin: unknown. Affected: yes. Observed: 2 variant alleles. Not counted in ClinVar's aggregate classification.
Comment: In silico tools predict a damaging effect of the variant on protein function. The same nucleotide change resulting in the same amino acid change has been previously reported as pathogenic/likely pathogenic with strong evidence (ClinVar ID: VCV000498267 /PMID: 14981715). While the CAPN3 gene is primarily known for causing a form of muscular dystrophy, studies have also found an association between its expression levels in skeletal muscle and carbohydrate oxidation as well as circulating glucose and insulin concentrations (PMID: 12075569).

Counsyl
Classification: Likely pathogenic for Autosomal recessive limb-girdle muscular dystrophy type 2A. Last evaluated: 2018-01-30. Review status: no assertion criteria provided. Collection method: clinical testing. Allele origin: unknown. Not counted in ClinVar's aggregate classification.

Literature cited by the submitters: PubMed 16100770 (cited by Labcorp Genetics (formerly Invitae), Labcorp and Women's Health and Genetics/Laboratory Corporation of America, LabCorp); PubMed 18854869 (cited by Labcorp Genetics (formerly Invitae), Labcorp and Mayo Clinic Laboratories, Mayo Clinic); PubMed 19556129 (cited by Labcorp Genetics (formerly Invitae), Labcorp and Mayo Clinic Laboratories, Mayo Clinic); PubMed 14981715 (cited by 3 submitters); PubMed 16141003 (cited by 3 submitters); PubMed 25214167 (cited by Mayo Clinic Laboratories, Mayo Clinic); PubMed 27066551 (cited by 3 submitters); PubMed 30919934 (cited by Mayo Clinic Laboratories, Mayo Clinic); PubMed 32576226 (cited by Mayo Clinic Laboratories, Mayo Clinic); PubMed 37066920 (cited by Mayo Clinic Laboratories, Mayo Clinic); PubMed 37974208 (cited by Mayo Clinic Laboratories, Mayo Clinic); PubMed 28403181 (cited by Natera, Inc.); PubMed 10330340 (cited by 3billion); PubMed 31788660 (cited by Lifecell International Pvt. Ltd); PubMed 12075569 (cited by Gene Friend Way, National Innovation Center).